The following is an entry in ClinVar:

ClinVar aggregate classification (germline): Uncertain significance (1 of 4 stars; one submission).

Conditions:
Neurofibromatosis, type 1 (NF1). Also called: VON RECKLINGHAUSEN DISEASE; Neurofibromatosis, type I; NEUROFIBROMATOSIS, TYPE I, SOMATIC; Peripheral type neurofibromatosis. Identifiers: Orphanet 636, MedGen C0027831, MONDO:0018975, OMIM 162200. Disease mechanism: loss of function.

Submission:

Labcorp Genetics (formerly Invitae), Labcorp
Classification: Uncertain significance for Neurofibromatosis, type 1. Last evaluated: 2025-03-19. Review status: criteria provided, single submitter. Criteria: Invitae Variant Classification Sherloc (09022015). Collection method: clinical testing. Allele origin: germline.
Comment: This sequence change replaces methionine, which is neutral and non-polar, with isoleucine, which is neutral and non-polar, at codon 799 of the NF1 protein (p.Met799Ile). This variant is not present in population databases (gnomAD no frequency). This variant has not been reported in the literature in individuals affected with NF1-related conditions. Invitae Evidence Modeling of protein sequence and biophysical properties (such as structural, functional, and spatial information, amino acid conservation, physicochemical variation, residue mobility, and thermodynamic stability) indicates that this missense variant is not expected to disrupt NF1 protein function with a negative predictive value of 95%. In summary, the available evidence is currently insufficient to determine the role of this variant in disease. Therefore, it has been classified as a Variant of Uncertain Significance.

NM_001042492.3(NF1):c.2397G>C (p.Met799Ile)

Gene: NF1 (neurofibromin 1; plus strand). Cytogenetic location: 17q11.2.
Variant type: single nucleotide variant.
Coding change: c.2397G>C on transcript NM_001042492.3 (MANE Select); coding-DNA position 2397, G replaced by C.
Protein change: p.Met799Ile; replaces methionine 799 with isoleucine.
Molecular consequence: missense variant.
Genome position (GRCh38, 1-based): chr17:31,227,594, G>C. VCF-style: chr17-31227594-G-C. GRCh37 (hg19) VCF-style: chr17-29554612-G-C.
Other names: c.2397G>C, p.Met799Ile (NM_000267.4); short protein forms M799I.
Identifiers: ClinVar variation 4800734 (VCV004800734.1).